The following is an entry in ClinVar:

NM_000038.6(APC):c.3195A>C (p.Gln1065His)

Gene: APC (APC regulator of Wnt signaling pathway; plus strand). Cytogenetic location: 5q22.2.
Variant type: single nucleotide variant.
Coding change: c.3195A>C on transcript NM_000038.6 (MANE Select); coding-DNA position 3195, A replaced by C.
Protein change: p.Gln1065His; replaces glutamine 1065 with histidine.
Molecular consequence: missense variant. On other transcripts: non-coding transcript variant (2).
Genome position (GRCh38, 1-based): chr5:112,838,789, A>C. VCF-style: chr5-112838789-A-C. GRCh37 (hg19) VCF-style: chr5-112174486-A-C.
Other names: c.3195A>C, p.Gln1065His (NM_001127510.3, NM_001354895.2, NM_001407450.1); c.3141A>C, p.Gln1047His (NM_001127511.3); c.3249A>C, p.Gln1083His (NM_001354896.2, NM_001407447.1, NM_001407448.1 and 1 more transcripts); c.3225A>C, p.Gln1075His (NM_001354897.2); c.3120A>C, p.Gln1040His (NM_001354898.2); c.3111A>C, p.Gln1037His (NM_001354899.2); c.3072A>C, p.Gln1024His (NM_001354900.2); c.3018A>C, p.Gln1006His (NM_001354901.2, NM_001407453.1); and 11 more; short protein forms Q1037H, Q1093H, Q905H, Q936H, Q1006H, Q1024H, Q1058H, Q1065H.
Identifiers: ClinVar variation 5025196 (VCV005025196.1).

ClinVar aggregate classification (germline): Uncertain significance (1 of 4 stars; one submission).

Conditions:
Hereditary cancer-predisposing syndrome. Also called: Neoplastic Syndromes, Hereditary; Tumor predisposition; Hereditary neoplastic syndrome; Hereditary Cancer Syndrome. Identifiers: Orphanet 140162, MedGen C0027672, MeSH D009386, MONDO:0015356.

Submission:

Ambry Genetics
Classification: Uncertain significance for Hereditary cancer-predisposing syndrome. Last evaluated: 2026-07-07. Review status: criteria provided, single submitter. Criteria: Ambry Variant Classification Scheme 2023. Collection method: clinical testing. Allele origin: germline.
Comment: The p.Q1065H variant (also known as c.3195A>C), located in coding exon 15 of the APC gene, results from an A to C substitution at nucleotide position 3195. The glutamine at codon 1065 is replaced by histidine, an amino acid with highly similar properties. This amino acid position is conserved. In addition, in silico predictors for this gene do not accurately predict pathogenicity. Based on the available evidence, the clinical significance of this variant remains unclear.